The following is an entry in ClinVar:

NM_002734.5(PRKAR1A):c.748C>T (p.Leu250Phe)

Gene: PRKAR1A (protein kinase cAMP-dependent type I regulatory subunit alpha; plus strand). Cytogenetic location: 17q24.2.
Variant type: single nucleotide variant.
Coding change: c.748C>T on transcript NM_002734.5 (MANE Select); coding-DNA position 748, C replaced by T.
Protein change: p.Leu250Phe; replaces leucine 250 with phenylalanine.
Molecular consequence: missense variant.
Genome position (GRCh38, 1-based): chr17:68,527,879, C>T. VCF-style: chr17-68527879-C-T. GRCh37 (hg19) VCF-style: chr17-66524020-C-T.
Other names: c.748C>T, p.Leu250Phe (NM_001276289.2, NM_001276290.1, NM_001278433.2 and 4 more transcripts); short protein forms L250F.
Identifiers: ClinVar variation 1427329 (VCV001427329.10), dbSNP rs775247484, ClinGen allele CA8729358.
Genomic context (GRCh38, chr17:68,527,879, plus strand): 5'-TTTTGTTATTTTTATTTTTAGGGAAGCACACTGAGAAAGCGGAAGATGTATGAGGAATTC[C>T]TTAGTAAAGTCTCTATTTTAGGTGAGTTGTAAAGTGTGTTAACTTTGCTAGTATGTGAGA-3'
Protein context (NP_002725.1, residues 240-260): LRKRKMYEEF[Leu250Phe]SKVSILESLD

ClinVar aggregate classification (germline): Uncertain significance. Review status: criteria provided, multiple submitters, no conflicts (2 of 4 stars). 2 submissions from 2 submitters: Uncertain significance (2). Last evaluated 2024-10-28.

Conditions:
Carney complex, type 1 (CNC1). Also called: CARNEY MYXOMA-ENDOCRINE COMPLEX; CARNEY COMPLEX, TYPE I. Identifiers: Orphanet 1359, MedGen C2607929, MONDO:0008057, OMIM 160980.
Hereditary cancer-predisposing syndrome. Also called: Tumor predisposition; Hereditary neoplastic syndrome; Neoplastic Syndromes, Hereditary; Hereditary Cancer Syndrome. Identifiers: Orphanet 140162, MedGen C0027672, MeSH D009386, MONDO:0015356.

Allele frequency attached by ClinVar (database versions not stated): gnomAD exomes below 0.00001; ExAC 0.00001.

Submissions (2):

Labcorp Genetics (formerly Invitae), Labcorp
Classification: Uncertain significance for Carney complex, type 1. Last evaluated: 2024-10-28. Review status: criteria provided, single submitter. Criteria: Invitae Variant Classification Sherloc (09022015). Collection method: clinical testing. Allele origin: germline.
Comment: This sequence change replaces leucine, which is neutral and non-polar, with phenylalanine, which is neutral and non-polar, at codon 250 of the PRKAR1A protein (p.Leu250Phe). This variant is present in population databases (rs775247484, gnomAD 0.003%). This variant has not been reported in the literature in individuals affected with PRKAR1A-related conditions. ClinVar contains an entry for this variant (Variation ID: 1427329). Invitae Evidence Modeling of protein sequence and biophysical properties (such as structural, functional, and spatial information, amino acid conservation, physicochemical variation, residue mobility, and thermodynamic stability) indicates that this missense variant is expected to disrupt PRKAR1A protein function with a positive predictive value of 95%. In summary, the available evidence is currently insufficient to determine the role of this variant in disease. Therefore, it has been classified as a Variant of Uncertain Significance.

Ambry Genetics
Classification: Uncertain significance for Hereditary cancer-predisposing syndrome. Last evaluated: 2024-04-06. Review status: criteria provided, single submitter. Criteria: Ambry Variant Classification Scheme 2023. Collection method: clinical testing. Allele origin: germline.
Comment: The p.L250F variant (also known as c.748C>T), located in coding exon 7 of the PRKAR1A gene, results from a C to T substitution at nucleotide position 748. The leucine at codon 250 is replaced by phenylalanine, an amino acid with highly similar properties. This amino acid position is conserved. In addition, this alteration is predicted to be deleterious by in silico analysis. Since supporting evidence is limited at this time, the clinical significance of this alteration remains unclear.